The following is an entry in ClinVar:

ClinVar aggregate classification (germline): Pathogenic/Likely pathogenic. Review status: criteria provided, multiple submitters, no conflicts (2 of 4 stars). 4 submissions from 4 submitters: Pathogenic (1); Likely pathogenic (2). 1 of the submissions does not count toward it. Last evaluated 2026-03-25.

Conditions:
Fanconi anemia (FA). Also called: Fanconi's anemia. Identifiers: Orphanet 84, MedGen C0015625, MeSH D005199, MONDO:0019391.
Fanconi anemia complementation group A (FANCA). Also called: Fanconi anemia, group A; FANCA-Related Fanconi Anemia. Identifiers: Orphanet 84, MedGen C3469521, MONDO:0009215, OMIM 227650.

gnomAD v4.1: 2 of 1,613,086 alleles (0.00012%); highest among the groups gnomAD compares: Non-Finnish European, 0.00017%; no homozygotes.

Submissions (4):

Myriad Genetics, Inc.
Classification: Likely pathogenic for Fanconi anemia complementation group A. Last evaluated: 2026-03-25. Review status: criteria provided, single submitter. Criteria: Myriad Autosomal Dominant, Autosomal Recessive and X-Linked Classification Criteria (2023). Collection method: clinical testing. Allele origin: unknown.
Comment: NM_000135.2(FANCA):c.3828+1G>A is a variant in a canonical splice site classified as likely pathogenic in the context of Fanconi anemia complementation group A. c.3828+1G>A has been observed in cases with relevant disease (PMID: 29098742, 31586946). Relevant functional assessments of this variant are not available in the literature. c.3828+1G>A has not been observed in referenced population frequency databases. In summary, NM_000135.2(FANCA):c.3828+1G>A is a variant in a canonical splice site that has been observed more frequently in cases with the relevant disease than in healthy populations. Please note: this variant was assessed in the context of healthy population screening.

Labcorp Genetics (formerly Invitae), Labcorp
Classification: Pathogenic for Fanconi anemia. Last evaluated: 2023-11-10. Review status: criteria provided, single submitter. Criteria: Invitae Variant Classification Sherloc (09022015). Collection method: clinical testing. Allele origin: germline.
Comment: This sequence change affects a donor splice site in intron 38 of the FANCA gene. RNA analysis indicates that disruption of this splice site induces altered splicing and likely results in a shortened protein product. This variant is not present in population databases (gnomAD no frequency). Disruption of this splice site has been observed in individual(s) with clinical features of Fanconi anemia (PMID: 21273304). ClinVar contains an entry for this variant (Variation ID: 555597). Studies have shown that disruption of this splice site results in skipping of exon 38, but is expected to preserve the integrity of the reading-frame (PMID: 21273304). This variant disrupts a region of the FANCA protein in which other variant(s) (p.Phe1263del) have been determined to be pathogenic (PMID: 9371798, 15643609, 21273304, 21659346). This suggests that this is a clinically significant region of the protein, and that variants that disrupt it are likely to be disease-causing. For these reasons, this variant has been classified as Pathogenic.

Baylor Genetics
Classification: Likely pathogenic for Fanconi anemia complementation group A. Last evaluated: 2023-10-07. Review status: criteria provided, single submitter. Criteria: ACMG Guidelines, 2015. Collection method: clinical testing. Allele origin: unknown.

Counsyl
Classification: Likely pathogenic for Fanconi anemia complementation group A. Last evaluated: 2017-12-13. Review status: no assertion criteria provided. Collection method: clinical testing. Allele origin: unknown. Not counted in ClinVar's aggregate classification.

Literature cited by the submitters: PubMed 29098742 (cited by Myriad Genetics, Inc.); PubMed 31586946 (cited by Myriad Genetics, Inc.); PubMed 21273304 (cited by Labcorp Genetics (formerly Invitae), Labcorp); PubMed 9371798 (cited by Labcorp Genetics (formerly Invitae), Labcorp); PubMed 15643609 (cited by Labcorp Genetics (formerly Invitae), Labcorp); PubMed 21659346 (cited by Labcorp Genetics (formerly Invitae), Labcorp).

NM_000135.4(FANCA):c.3828+1G>A

Genes: ZNF276 (zinc finger protein 276; plus strand), FANCA (FA complementation group A; minus strand), LOC132090445 (Neanderthal introgressed variant-containing enhancer experimental_46704; plus strand). Cytogenetic location: 16q24.3.
Variant type: single nucleotide variant.
Coding change: c.3828+1G>A on transcript NM_000135.4 (MANE Select); the canonical splice donor site of the intron after coding-DNA position 3828, G replaced by A.
Molecular consequence: splice donor variant. On other transcripts: 3 prime UTR variant (2), non-coding transcript variant (4).
Genome position (GRCh38, 1-based): chr16:89,740,803, C>T on the plus strand (G>A on the coding strand, the complement: FANCA is on the minus strand). VCF-style: chr16-89740803-C-T. GRCh37 (hg19) VCF-style: chr16-89807211-C-T.
Other names: c.*2557C>T (NM_001113525.2, NM_152287.4); c.3828+1G>A (NM_001286167.3).
Identifiers: ClinVar variation 555597 (VCV000555597.10), dbSNP rs1432988639, ClinGen allele CA397485123.